The following is an entry in ClinVar:

NM_001122955.4(BSCL2):c.588C>T (p.Cys196=)

Genes: BSCL2 (BSCL2 lipid droplet biogenesis associated, seipin; minus strand), HNRNPUL2-BSCL2 (HNRNPUL2-BSCL2 readthrough (NMD candidate); minus strand). Cytogenetic location: 11q12.3.
Variant type: single nucleotide variant.
Coding change: c.588C>T on transcript NM_001122955.4 (MANE Select); coding-DNA position 588, C replaced by T.
Protein change: p.Cys196=; no amino-acid change (cysteine 196 retained).
Molecular consequence: synonymous variant. On other transcripts: non-coding transcript variant (1).
Genome position (GRCh38, 1-based): chr11:62,694,610, G>A on the plus strand (C>T on the coding strand, the complement: BSCL2 is on the minus strand). VCF-style: chr11-62694610-G-A. GRCh37 (hg19) VCF-style: chr11-62462082-G-A.
Other names: c.396C>T, p.Cys132= (NM_001130702.2, NM_032667.6); c.588C>T, p.Cys196= (NM_001386027.1, NM_001386028.1); c.588C>T (NM_001122955.3).
Identifiers: ClinVar variation 220467 (VCV000220467.30), dbSNP rs369806785, ClinGen allele CA349870.
Genomic context (GRCh38, chr11:62,694,610, plus strand): 5'-CAGGCCACCAACACTTACCGAACGCGAAGAAGTGGAGATGATTCGGCCACCTCTGGTGTA[G>A]CAGGAAATGGTGACCAAGAACATGCCCAAATCTTGATTCACAGGGGACTCTGGCAGCTCA-3'
Protein context (NP_001116427.1, residues 186-206): DLGMFLVTIS[Cys196=]YTRGGRIIST

ClinVar aggregate classification (germline): Conflicting classifications of pathogenicity. Review status: criteria provided, conflicting classifications (1 of 4 stars). 8 submissions from 7 submitters: Uncertain significance (4); Likely benign (4). Last evaluated 2026-01-12.

Conditions:
BSCL2-related disorder. Also called: BSCL2-related condition; BSCL2-Related Disorders.
Inborn genetic diseases. Identifiers: MedGen C0950123, MeSH D030342.
Charcot-Marie-Tooth disease type 2. Also called: Charcot-Marie-Tooth type 2. Identifiers: Orphanet 64746, MedGen C0270914, MONDO:0018993.
Hereditary spastic paraplegia. Also called: Familial spastic paraparesis. Identifiers: Orphanet 685, MedGen C0037773, MONDO:0019064. Disease mechanism: loss of function.
Congenital generalized lipodystrophy type 2 (CGL2). Also called: BERARDINELLI SYNDROME; BRUNZELL SYNDROME, BSCL2-RELATED; Berardinelli-Seip Congenital Lipodystrophy Type 2; SEIP SYNDROME. Identifiers: Orphanet 528, Orphanet 696289, MedGen C1720863, MONDO:0010020, OMIM 269700.
Neuronopathy, distal hereditary motor, type 5A (HMND5). Also called: Distal Spinal Muscular Atrophy V; Distal Spinal Muscular Atrophy V (dSMA-V); NEURONOPATHY, DISTAL HEREDITARY MOTOR, AUTOSOMAL DOMINANT 5; DHMN VA. Identifiers: Orphanet 139536, MedGen CN031873, MONDO:0015353, OMIM 600794.

Allele frequency attached by ClinVar (database versions not stated): gnomAD 0.00011; gnomAD exomes 0.00013 and 0.00008; ESP Exome Variant Server 0.00015; ExAC 0.00007; TOPMed 0.00009.
gnomAD v4.1: 207 of 1,614,050 alleles (0.013%); highest among the groups gnomAD compares: Middle Eastern, 0.016%; no homozygotes.

Submissions (8):

Labcorp Genetics (formerly Invitae), Labcorp
Classification: Likely benign for Charcot-Marie-Tooth disease type 2. Last evaluated: 2026-01-12. Review status: criteria provided, single submitter. Criteria: Invitae Variant Classification Sherloc (09022015). Collection method: clinical testing. Allele origin: germline.

PreventionGenetics, part of Exact Sciences
Classification: Likely benign for BSCL2-related condition. Last evaluated: 2025-08-06. Review status: criteria provided, single submitter. Criteria: ACMG Guidelines, 2015. Collection method: clinical testing. Allele origin: germline.
Comment: This variant is classified as likely benign based on ACMG/AMP sequence variant interpretation guidelines (Richards et al. 2015 PMID: 25741868, with internal and published modifications).

Genome Diagnostics Laboratory, The Hospital for Sick Children
Classification: Uncertain significance for Hereditary spastic paraplegia. Last evaluated: 2021-05-03. Review status: criteria provided, single submitter. Criteria: ACMG Guidelines, 2015. Collection method: clinical testing. Allele origin: germline. Affected: yes.

Ambry Genetics
Classification: Likely benign for Inborn genetic diseases. Last evaluated: 2019-07-11. Review status: criteria provided, single submitter. Criteria: Ambry Variant Classification Scheme 2023. Collection method: clinical testing. Allele origin: germline.

Illumina Laboratory Services, Illumina
Classification: Uncertain significance for Neuronopathy, distal hereditary motor, type 5A. Last evaluated: 2018-01-12. Review status: criteria provided, single submitter. Criteria: ICSL Variant Classification Criteria 13 December 2019. Collection method: clinical testing. Allele origin: germline.

Illumina Laboratory Services, Illumina
Classification: Uncertain significance for Congenital generalized lipodystrophy type 2. Last evaluated: 2018-01-12. Review status: criteria provided, single submitter. Criteria: ICSL Variant Classification Criteria 13 December 2019. Collection method: clinical testing. Allele origin: germline.

Eurofins Ntd Llc (ga)
Classification: Uncertain significance. Last evaluated: 2017-05-19. Review status: criteria provided, single submitter. Criteria: EGL Classification Definitions 2015. Collection method: clinical testing. Allele origin: germline. Observed: 1 variant allele, 1 heterozygote.

GeneDx
Classification: Likely benign. Last evaluated: 2017-04-13. Review status: criteria provided, single submitter. Criteria: GeneDx Variant Classification (06012015). Collection method: clinical testing. Allele origin: germline. Affected: yes.
Comment: This variant is considered likely benign or benign based on one or more of the following criteria: it is a conservative change, it occurs at a poorly conserved position in the protein, it is predicted to be benign by multiple in silico algorithms, and/or has population frequency not consistent with disease.